The following is an entry in ClinVar:

ClinVar aggregate classification (germline): Uncertain significance (1 of 4 stars; one submission).

Conditions:
Familial adenomatous polyposis 1 (FAP1). Also called: FAMILIAL ADENOMATOUS POLYPOSIS 1, ATTENUATED; POLYPOSIS, ADENOMATOUS INTESTINAL. Identifiers: MedGen C2713442, MONDO:0021056, OMIM 175100. Disease mechanism: loss of function.

Submission:

Labcorp Genetics (formerly Invitae), Labcorp
Classification: Uncertain significance for Familial adenomatous polyposis 1. Last evaluated: 2024-11-24. Review status: criteria provided, single submitter. Criteria: Invitae Variant Classification Sherloc (09022015). Collection method: clinical testing. Allele origin: germline.
Comment: This variant occurs in a non-coding region of the APC gene. It does not change the encoded amino acid sequence of the APC protein. This variant is not present in population databases (gnomAD no frequency). This variant has not been reported in the literature in individuals affected with APC-related conditions. Experimental studies and prediction algorithms are not available or were not evaluated, and the functional significance of this variant is currently unknown. In summary, the available evidence is currently insufficient to determine the role of this variant in disease. Therefore, it has been classified as a Variant of Uncertain Significance.

NC_000005.10:g.112707345T>A

Gene: APC (APC regulator of Wnt signaling pathway; plus strand). Cytogenetic location: 5q22.2.
Variant type: single nucleotide variant.
Genome position: GRCh38 VCF-style: chr5-112707345-T-A. GRCh37 (hg19) VCF-style: chr5-112043042-T-A.
Identifiers: ClinVar variation 3725909 (VCV003725909.2).